The following is an entry in ClinVar:

ClinVar aggregate classification (germline): Likely benign. Review status: criteria provided, single submitter (1 of 4 stars). 2 submissions from 2 submitters: Likely benign (1). 1 of the submissions does not count toward it. Last evaluated 2025-03-11.

Conditions:
TRIP12-related disorder. Also called: TRIP12-related condition.
Inborn genetic diseases. Identifiers: MedGen C0950123, MeSH D030342.

Allele frequency attached by ClinVar (database versions not stated): TOPMed 0.00001; gnomAD exomes 0.00002; ExAC 0.00007.
gnomAD v4.1: 17 of 1,613,988 alleles (0.0011%); highest among the groups gnomAD compares: Admixed American, 0.018%; no homozygotes.

Submissions (2):

Ambry Genetics
Classification: Likely benign for Inborn genetic diseases. Last evaluated: 2025-03-11. Review status: criteria provided, single submitter. Criteria: Ambry Variant Classification Scheme 2023. Collection method: clinical testing. Allele origin: germline.

PreventionGenetics, part of Exact Sciences
Classification: Uncertain significance for TRIP12-related condition. Last evaluated: 2024-01-10. Review status: no assertion criteria provided. Collection method: clinical testing. Allele origin: germline. Not counted in ClinVar's aggregate classification.
Comment: The TRIP12 c.6060G>C variant is predicted to result in the amino acid substitution p.Glu2020Asp. To our knowledge, this variant has not been reported in the literature. This variant has been reported in four individuals in the SFARI database (in genome build hg38). This variant is reported in 0.023% of alleles in individuals of Latino descent in gnomAD. At this time, the clinical significance of this variant is uncertain due to the absence of conclusive functional and genetic evidence.

NM_001348323.3(TRIP12):c.6141G>C (p.Glu2047Asp)

Gene: TRIP12 (thyroid hormone receptor interactor 12; minus strand). Cytogenetic location: 2q36.3.
Variant type: single nucleotide variant.
Coding change: c.6141G>C on transcript NM_001348323.3 (MANE Select); coding-DNA position 6141, G replaced by C.
Protein change: p.Glu2047Asp; replaces glutamic acid 2047 with aspartic acid.
Molecular consequence: missense variant.
Genome position (GRCh38, 1-based): chr2:229,767,617, C>G on the plus strand (G>C on the coding strand, the complement: TRIP12 is on the minus strand). VCF-style: chr2-229767617-C-G. GRCh37 (hg19) VCF-style: chr2-230632333-C-G.
Other names: c.6060G>C, p.Glu2020Asp (NM_001284214.2, NM_001348315.2); c.6015G>C, p.Glu2005Asp (NM_001284215.2, NM_001348316.2); c.5106G>C, p.Glu1702Asp (NM_001284216.2); c.6000G>C, p.Glu2000Asp (NM_001348317.1, NM_001348318.2); c.6126G>C, p.Glu2042Asp (NM_001348319.1, NM_001348320.2); c.6129G>C, p.Glu2043Asp (NM_001348321.1); c.6141G>C, p.Glu2047Asp (NM_001348322.1, NM_001348324.2, NM_001348325.2 and 2 more transcripts); c.6144G>C, p.Glu2048Asp (NM_001348328.1, NM_001348329.2, NM_001348330.2); and 5 more; short protein forms E1702D, E1972D, E1973D, E2000D, E2005D, E2013D, E2020D, E2021D.
Identifiers: ClinVar variation 3031472 (VCV003031472.3), dbSNP rs753443022, ClinGen allele CA2152162.